The following is an entry in ClinVar:

ClinVar aggregate classification (germline): Likely benign (1 of 4 stars; one submission).

Conditions:
AP3B2-related disorder. Also called: AP3B2-related condition.

gnomAD v4.1: 26 of 1,614,012 alleles (0.0016%); highest among the groups gnomAD compares: South Asian, 0.029%; no homozygotes.

Submission:

PreventionGenetics, part of Exact Sciences
Classification: Likely benign for AP3B2-related condition. Last evaluated: 2025-11-06. Review status: criteria provided, single submitter. Criteria: ACMG Guidelines, 2015. Collection method: clinical testing. Allele origin: germline.
Comment: This variant is classified as likely benign based on ACMG/AMP sequence variant interpretation guidelines (Richards et al. 2015 PMID: 25741868, with internal and published modifications).

NM_001278512.2(AP3B2):c.1746C>T (p.Thr582=)

Genes: AP3B2 (adaptor related protein complex 3 subunit beta 2; minus strand), CPEB1-AS1 (CPEB1 antisense RNA 1; plus strand). Cytogenetic location: 15q25.2.
Variant type: single nucleotide variant.
Coding change: c.1746C>T on transcript NM_001278512.2 (MANE Select); coding-DNA position 1746, C replaced by T.
Protein change: p.Thr582=; no amino-acid change (threonine 582 retained).
Molecular consequence: synonymous variant.
Genome position (GRCh38, 1-based): chr15:82,666,853, G>A on the plus strand (C>T on the coding strand, the complement: AP3B2 is on the minus strand). VCF-style: chr15-82666853-G-A. GRCh37 (hg19) VCF-style: chr15-83335605-G-A.
Other names: c.1650C>T, p.Thr550= (NM_001278511.2); c.1746C>T, p.Thr582= (NM_004644.5).
Identifiers: ClinVar variation 4977080 (VCV004977080.1).